The following is an entry in ClinVar:

ClinVar aggregate classification (germline): Uncertain significance (1 of 4 stars; one submission).

gnomAD v4.1: 1 of 1,614,054 alleles (0.000062%); highest among the groups gnomAD compares: Non-Finnish European, 0.000085%; no homozygotes.

Submission:

Labcorp Genetics (formerly Invitae), Labcorp
Classification: Uncertain significance. Last evaluated: 2024-05-23. Review status: criteria provided, single submitter. Criteria: Invitae Variant Classification Sherloc (09022015). Collection method: clinical testing. Allele origin: germline.
Comment: This sequence change replaces glycine, which is neutral and non-polar, with arginine, which is basic and polar, at codon 762 of the AUTS2 protein (p.Gly762Arg). This variant is not present in population databases (gnomAD no frequency). This variant has not been reported in the literature in individuals affected with AUTS2-related conditions. Advanced modeling of protein sequence and biophysical properties (such as structural, functional, and spatial information, amino acid conservation, physicochemical variation, residue mobility, and thermodynamic stability) performed at Invitae indicates that this missense variant is expected to disrupt AUTS2 protein function with a positive predictive value of 80%. In summary, the available evidence is currently insufficient to determine the role of this variant in disease. Therefore, it has been classified as a Variant of Uncertain Significance.

NM_015570.4(AUTS2):c.2284G>C (p.Gly762Arg)

Gene: AUTS2 (activator of transcription and developmental regulator AUTS2; plus strand). Cytogenetic location: 7q11.22.
Variant type: single nucleotide variant.
Coding change: c.2284G>C on transcript NM_015570.4 (MANE Select); coding-DNA position 2284, G replaced by C.
Protein change: p.Gly762Arg; replaces glycine 762 with arginine.
Molecular consequence: missense variant.
Genome position (GRCh38, 1-based): chr7:70,786,014, G>C. VCF-style: chr7-70786014-G-C. GRCh37 (hg19) VCF-style: chr7-70251000-G-C.
Other names: c.2212G>C, p.Gly738Arg (NM_001127231.3); short protein forms G738R, G762R.
Identifiers: ClinVar variation 3654358 (VCV003654358.2).